The following is an entry in ClinVar:

ClinVar aggregate classification (germline): Uncertain significance. Review status: criteria provided, multiple submitters, no conflicts (2 of 4 stars). 2 submissions from 2 submitters: Uncertain significance (2). Last evaluated 2025-01-30.

Conditions:
Intellectual developmental disorder, X-linked, syndromic, Hedera type. Also called: Syndromic X-linked intellectual disability Hedera type. Identifiers: Orphanet 93952, MedGen C1845543, MONDO:0010319, OMIM 300423.
Congenital disorder of glycosylation, type IIr. Also called: CDG IIr. Identifiers: MedGen C5393313, MONDO:0026765, OMIM 301045.

Allele frequency attached by ClinVar (database versions not stated): gnomAD exomes 0.00001 and 0.00002; TOPMed 0.00001; gnomAD 0.00002; ExAC 0.00002; ESP Exome Variant Server 0.00009.
gnomAD v4.1: 22 of 1,207,994 alleles (0.0018%); highest among the groups gnomAD compares: East Asian, 0.0059%; no homozygotes.

Submissions (2):

Labcorp Genetics (formerly Invitae), Labcorp
Classification: Uncertain significance for Intellectual developmental disorder, X-linked, syndromic, Hedera type. Last evaluated: 2025-01-30. Review status: criteria provided, single submitter. Criteria: Invitae Variant Classification Sherloc (09022015). Collection method: clinical testing. Allele origin: germline.
Comment: This sequence change replaces arginine, which is basic and polar, with glutamine, which is neutral and polar, at codon 41 of the ATP6AP2 protein (p.Arg41Gln). This variant is present in population databases (rs147857235, gnomAD 0.004%). This variant has not been reported in the literature in individuals affected with ATP6AP2-related conditions. ClinVar contains an entry for this variant (Variation ID: 1493867). Invitae Evidence Modeling of protein sequence and biophysical properties (such as structural, functional, and spatial information, amino acid conservation, physicochemical variation, residue mobility, and thermodynamic stability) indicates that this missense variant is not expected to disrupt ATP6AP2 protein function with a negative predictive value of 80%. In summary, the available evidence is currently insufficient to determine the role of this variant in disease. Therefore, it has been classified as a Variant of Uncertain Significance.

Victorian Clinical Genetics Services, Murdoch Childrens Research Institute
Classification: Uncertain significance for Congenital disorder of glycosylation, type IIr. Last evaluated: 2023-07-17. Review status: criteria provided, single submitter. Criteria: ACMG Guidelines, 2015. Collection method: clinical testing. Allele origin: germline. Inheritance: Autosomal recessive inheritance. Affected: yes.
Comment: Based on the classification scheme VCGS_Germline_v1.3.4, this variant is classified as VUS-3B. Following criteria are met: 0105 - The mechanism of disease for this gene is not clearly established. (I) 0109 - This gene is associated with X-linked recessive disease. (I) 0200 - Variant is predicted to result in a missense amino acid change from arginine to glutamine. (I) 0253 - This variant is hemizygous. (I) 0304 - Variant is present in gnomAD (v2, v3) <0.01 for a recessive condition (4 heterozygotes, 0 homozygotes, 0 hemizygotes). (SP) 0309 - An alternative amino acid change at the same position has been observed in gnomAD (v2) (1 heterozygote, 0 homozygotes, 0 hemizygotes). (I) 0502 - Missense variant with conflicting in silico predictions and uninformative conservation. (I) 0604 - Variant is not located in an established domain, motif, hotspot or informative constraint region. (I) 0705 - No comparable missense variants have previous evidence for pathogenicity. (I) 0809 - Previous evidence of pathogenicity for this variant is inconclusive. This variant has been described as a VUS (ClinVar). (I) 0905 - No published segregation evidence has been identified for this variant. (I) 1007 - No published functional evidence has been identified for this variant. (I) Legend: (SP) - Supporting pathogenic, (I) - Information, (SB) - Supporting benign

NM_005765.3(ATP6AP2):c.122G>A (p.Arg41Gln)

Gene: ATP6AP2 (ATPase H+ transporting accessory protein 2; plus strand). Cytogenetic location: Xp11.4.
Variant type: single nucleotide variant.
Coding change: c.122G>A on transcript NM_005765.3 (MANE Select); coding-DNA position 122, G replaced by A.
Protein change: p.Arg41Gln; replaces arginine 41 with glutamine.
Molecular consequence: missense variant.
Genome position (GRCh38, 1-based): chrX:40,589,070, G>A. VCF-style: chrX-40589070-G-A. GRCh37 (hg19) VCF-style: chrX-40448322-G-A.
Other names: c.122G>A (NM_005765.2); short protein forms R41Q.
Identifiers: ClinVar variation 1493867 (VCV001493867.8), dbSNP rs147857235, ClinGen allele CA10387162.